The following is an entry in ClinVar:

NM_000503.6(EYA1):c.1313A>G (p.Tyr438Cys)

Gene: EYA1 (EYA transcriptional coactivator and phosphatase 1; minus strand). Cytogenetic location: 8q13.3.
Variant type: single nucleotide variant.
Coding change: c.1313A>G on transcript NM_000503.6 (MANE Select); coding-DNA position 1313, A replaced by G.
Protein change: p.Tyr438Cys; replaces tyrosine 438 with cysteine.
Molecular consequence: missense variant.
Genome position (GRCh38, 1-based): chr8:71,216,739, T>C on the plus strand (A>G on the coding strand, the complement: EYA1 is on the minus strand). VCF-style: chr8-71216739-T-C. GRCh37 (hg19) VCF-style: chr8-72128974-T-C.
Other names: c.1295A>G, p.Tyr432Cys (NM_001288574.2, NM_172059.5); c.947A>G, p.Tyr316Cys (NM_001288575.2); c.1400A>G, p.Tyr467Cys (NM_001370333.1); c.1313A>G, p.Tyr438Cys (NM_001370334.1, NM_001370335.1, NM_172058.4); c.1292A>G, p.Tyr431Cys (NM_001370336.1); c.1214A>G, p.Tyr405Cys (NM_001411797.1, NM_172060.4); short protein forms Y316C, Y467C, Y405C, Y438C, Y432C, Y431C.
Identifiers: ClinVar variation 2807432 (VCV002807432.4), dbSNP rs1374801818, ClinGen allele CA371466670.

ClinVar aggregate classification (germline): Uncertain significance. Review status: criteria provided, multiple submitters, no conflicts (2 of 4 stars). 2 submissions from 2 submitters: Uncertain significance (2). Last evaluated 2023-10-28.

Conditions:
Melnick-Fraser syndrome (BOR). Also called: Branchiootorenal Syndrome (BORS); Branchio-oto-renal syndrome; Branchiootorenal syndrome. Identifiers: Orphanet 107, MedGen C0265234, MONDO:0007029.

gnomAD v4.1: 5 of 1,614,058 alleles (0.00031%); highest among the groups gnomAD compares: Non-Finnish European, 0.00042%; no homozygotes.

Submissions (2):

Labcorp Genetics (formerly Invitae), Labcorp
Classification: Uncertain significance for Melnick-Fraser syndrome. Last evaluated: 2023-10-28. Review status: criteria provided, single submitter. Criteria: Invitae Variant Classification Sherloc (09022015). Collection method: clinical testing. Allele origin: germline.
Comment: This sequence change replaces tyrosine, which is neutral and polar, with cysteine, which is neutral and slightly polar, at codon 438 of the EYA1 protein (p.Tyr438Cys). This variant is not present in population databases (gnomAD no frequency). This variant has not been reported in the literature in individuals affected with EYA1-related conditions. Advanced modeling of protein sequence and biophysical properties (such as structural, functional, and spatial information, amino acid conservation, physicochemical variation, residue mobility, and thermodynamic stability) has been performed at Invitae for this missense variant, however the output from this modeling did not meet the statistical confidence thresholds required to predict the impact of this variant on EYA1 protein function. In summary, the available evidence is currently insufficient to determine the role of this variant in disease. Therefore, it has been classified as a Variant of Uncertain Significance.

Blueprint Genetics
Classification: Uncertain significance. Last evaluated: 2019-12-26. Review status: criteria provided, single submitter. Criteria: ACMG Guidelines, 2015. Collection method: clinical testing. Allele origin: germline.